The following is an entry in ClinVar:

ClinVar aggregate classification (germline): Likely benign. Review status: criteria provided, multiple submitters, no conflicts (2 of 4 stars). 3 submissions from 3 submitters: Likely benign (2). 1 of the submissions does not count toward it. Last evaluated 2025-12-29.

Conditions:
DEPDC5-related disorder. Also called: DEPDC5-related condition; DEPDC5-related related disorder.
Familial focal epilepsy with variable foci (FPEVF). Identifiers: Orphanet 98820, MedGen C1858477, MONDO:0020310.

Submissions (3):

Labcorp Genetics (formerly Invitae), Labcorp
Classification: Likely benign for Familial focal epilepsy with variable foci. Last evaluated: 2025-12-29. Review status: criteria provided, single submitter. Criteria: Invitae Variant Classification Sherloc (09022015). Collection method: clinical testing. Allele origin: germline.

Blueprint Genetics
Classification: Likely benign. Last evaluated: 2024-04-17. Review status: criteria provided, single submitter. Criteria: ACMG Guidelines, 2015. Collection method: clinical testing. Allele origin: germline.

PreventionGenetics, part of Exact Sciences
Classification: Likely benign for DEPDC5-related condition. Last evaluated: 2020-10-27. Review status: no assertion criteria provided. Collection method: clinical testing. Allele origin: germline. Not counted in ClinVar's aggregate classification.
Comment: This variant is classified as likely benign based on ACMG/AMP sequence variant interpretation guidelines (Richards et al. 2015 PMID: 25741868, with internal and published modifications).

NM_001242896.3(DEPDC5):c.3486-5dup

Gene: DEPDC5 (DEP domain containing 5, GATOR1 subcomplex subunit; plus strand). Cytogenetic location: 22q12.3.
Variant type: Duplication.
Coding change: c.3486-5dup on transcript NM_001242896.3 (MANE Select); 5 bases into the intron before coding-DNA position 3486, one base duplicated (T; older notation c.3486-5dupT).
Molecular consequence: intron variant. On other transcripts: non-coding transcript variant (1).
Genome position (GRCh38, 1-based): chr22:31,873,250, T duplicated; the last of 2 consecutive T bases (chr22:31,873,249-31,873,250); duplicating either gives the same sequence. VCF-style (leftmost placement, unchanged base first): chr22-31873248-G-GT. GRCh37 (hg19) VCF-style: chr22-32269234-G-GT.
Other names: c.3486-5dup (NM_001364318.2); c.3459-5dup (NM_001136029.4); c.3393-5dup (NM_014662.6, NM_001369903.1); c.3420-5dup (NM_001363852.2, NM_001364320.2); c.3252-5dup (NM_001363854.2, NM_001364319.2); c.3186-5dup (NM_001242897.2); c.3402-5dup (NM_001369902.1, NM_001369901.1); c.3486-5dupT (NM_001242896.1).
Identifiers: ClinVar variation 534809 (VCV000534809.13), dbSNP rs1555914747, ClinGen allele CA658799538.